The following is an entry in ClinVar:

NM_015338.6(ASXL1):c.3497G>A (p.Ser1166Asn)

Gene: ASXL1 (ASXL transcriptional regulator 1; plus strand). Cytogenetic location: 20q11.21.
Variant type: single nucleotide variant.
Coding change: c.3497G>A on transcript NM_015338.6 (MANE Select); coding-DNA position 3497, G replaced by A.
Protein change: p.Ser1166Asn; replaces serine 1166 with asparagine.
Molecular consequence: missense variant.
Genome position (GRCh38, 1-based): chr20:32,436,209, G>A. VCF-style: chr20-32436209-G-A. GRCh37 (hg19) VCF-style: chr20-31024012-G-A.
Other names: c.3314G>A, p.Ser1105Asn (NM_001363734.1); short protein forms S1105N, S1166N.
Identifiers: ClinVar variation 4827434 (VCV004827434.1).

ClinVar aggregate classification (germline): Uncertain significance (1 of 4 stars; one submission).

Conditions:
Inborn genetic diseases. Identifiers: MedGen C0950123, MeSH D030342.

Submission:

Ambry Genetics
Classification: Uncertain significance for Inborn genetic diseases. Last evaluated: 2026-03-11. Review status: criteria provided, single submitter. Criteria: Ambry Variant Classification Scheme 2023. Collection method: clinical testing. Allele origin: germline.
Comment: The p.S1166N variant (also known as c.3497G>A), located in coding exon 13 of the ASXL1 gene, results from a G to A substitution at nucleotide position 3497. The serine at codon 1166 is replaced by asparagine, an amino acid with highly similar properties. This amino acid position is conserved. In addition, this alteration is predicted to be tolerated by in silico analysis. Based on the available evidence, the clinical significance of this variant remains unclear.